The following is an entry in ClinVar:

NM_018417.6(ADCY10):c.1090G>A (p.Glu364Lys)

Genes: ADCY10 (adenylate cyclase 10; minus strand), DCAF6 (DDB1 and CUL4 associated factor 6; plus strand). Cytogenetic location: 1q24.2.
Variant type: single nucleotide variant.
Coding change: c.1090G>A on transcript NM_018417.6 (MANE Select); coding-DNA position 1090, G replaced by A.
Protein change: p.Glu364Lys; replaces glutamic acid 364 with lysine.
Molecular consequence: missense variant.
Genome position (GRCh38, 1-based): chr1:167,880,540, C>T on the plus strand (G>A on the coding strand, the complement: ADCY10 is on the minus strand). VCF-style: chr1-167880540-C-T. GRCh37 (hg19) VCF-style: chr1-167849778-C-T.
Other names: c.631G>A, p.Glu211Lys (NM_001167749.3); c.814G>A, p.Glu272Lys (NM_001297772.2); short protein forms E211K, E272K, E364K.
Identifiers: ClinVar variation 2106928 (VCV002106928.4), dbSNP rs2525726071, ClinGen allele CA343099365.

ClinVar aggregate classification (germline): Uncertain significance (1 of 4 stars; one submission).

Submission:

Labcorp Genetics (formerly Invitae), Labcorp
Classification: Uncertain significance. Last evaluated: 2022-08-24. Review status: criteria provided, single submitter. Criteria: Invitae Variant Classification Sherloc (09022015). Collection method: clinical testing. Allele origin: germline.
Comment: In summary, the available evidence is currently insufficient to determine the role of this variant in disease. Therefore, it has been classified as a Variant of Uncertain Significance. Algorithms developed to predict the effect of missense changes on protein structure and function are either unavailable or do not agree on the potential impact of this missense change (SIFT: "Deleterious"; PolyPhen-2: "Possibly Damaging"; Align-GVGD: "Class C0"). This variant has not been reported in the literature in individuals affected with ADCY10-related conditions. This variant is not present in population databases (gnomAD no frequency). This sequence change replaces glutamic acid, which is acidic and polar, with lysine, which is basic and polar, at codon 364 of the ADCY10 protein (p.Glu364Lys).